The following is an entry in ClinVar:

NM_000059.4(BRCA2):c.8389G>A (p.Asp2797Asn)

Gene: BRCA2 (BRCA2 DNA repair associated; plus strand). Cytogenetic location: 13q13.1.
Variant type: single nucleotide variant.
Coding change: c.8389G>A on transcript NM_000059.4 (MANE Select); coding-DNA position 8389, G replaced by A.
Protein change: p.Asp2797Asn; replaces aspartic acid 2797 with asparagine.
Molecular consequence: missense variant. On other transcripts: non-coding transcript variant (1).
Genome position (GRCh38, 1-based): chr13:32,370,459, G>A. VCF-style: chr13-32370459-G-A. GRCh37 (hg19) VCF-style: chr13-32944596-G-A.
Other names: c.8293G>A, p.Asp2765Asn (NM_001406719.1); c.8389G>A, p.Asp2797Asn (NM_001406720.1); c.3457G>A, p.Asp1153Asn (NM_001406721.1); c.1972G>A, p.Asp658Asn (NM_001406722.1); short protein forms D1153N, D2765N, D2797N, D658N.
Identifiers: ClinVar variation 2799170 (VCV002799170.3), dbSNP rs1566248791, ClinGen allele CA387752472.

ClinVar aggregate classification (germline): Uncertain significance (1 of 4 stars; one submission).

Conditions:
Hereditary breast ovarian cancer syndrome. Also called: Hereditary breast and ovarian cancer syndrome; Hereditary breast and ovarian cancer syndrome (HBOC); Hereditary breast and/or ovarian cancer syndrome; Hereditary breast and ovarian cancer; Breast and ovarian cancer; BRCA1- and BRCA2-Associated Hereditary Breast and Ovarian Cancer. Identifiers: Orphanet 145, MedGen C0677776, MeSH D061325, MONDO:0003582. Disease mechanism: loss of function.

Submission:

Labcorp Genetics (formerly Invitae), Labcorp
Classification: Uncertain significance for Hereditary breast ovarian cancer syndrome. Last evaluated: 2022-10-30. Review status: criteria provided, single submitter. Criteria: Invitae Variant Classification Sherloc (09022015). Collection method: clinical testing. Allele origin: germline.
Comment: In summary, the available evidence is currently insufficient to determine the role of this variant in disease. Therefore, it has been classified as a Variant of Uncertain Significance. Advanced modeling of protein sequence and biophysical properties (such as structural, functional, and spatial information, amino acid conservation, physicochemical variation, residue mobility, and thermodynamic stability) performed at Invitae indicates that this missense variant is not expected to disrupt BRCA2 protein function. This variant has not been reported in the literature in individuals affected with BRCA2-related conditions. This variant is not present in population databases (gnomAD no frequency). This sequence change replaces aspartic acid, which is acidic and polar, with asparagine, which is neutral and polar, at codon 2797 of the BRCA2 protein (p.Asp2797Asn).